The following is an entry in ClinVar:

NM_144997.7(FLCN):c.1379_1380del (p.Leu460fs)

Gene: FLCN (folliculin; minus strand). Cytogenetic location: 17p11.2.
Variant type: Microsatellite.
Coding change: c.1379_1380del on transcript NM_144997.7 (MANE Select); coding-DNA positions 1379 to 1380, 2 bases deleted (TC; older notation c.1379_1380delTC).
Protein change: p.Leu460fs; shifts the reading frame from leucine 460.
Molecular consequence: frameshift variant.
Genome position (GRCh38, 1-based): chr17:17,215,237-17,215,238, GA deleted on the plus strand (TC on the coding strand, the reverse complement: FLCN is on the minus strand); deleting any 2 consecutive bases within chr17:17,215,237-17,215,242 gives the same sequence; the c. name uses the placement nearest the transcript's 3' end. VCF-style (leftmost placement, unchanged base first): chr17-17215236-TGA-T. GRCh37 (hg19) VCF-style: chr17-17118550-TGA-T.
Other names: p.Leu460Glnfs*25; c.1379_1380del (NM_144997.5); c.1433_1434del, p.Leu478fs (NM_001353229.2); c.1379_1380del, p.Leu460fs (NM_001353230.2, NM_001353231.2); short protein forms L460fs, L478fs.
Identifiers: ClinVar variation 418213 (VCV000418213.23), dbSNP rs1064793128, ClinGen allele CA16620337.

ClinVar aggregate classification (germline): Pathogenic. Review status: criteria provided, multiple submitters, no conflicts (2 of 4 stars). 8 submissions from 8 submitters: Pathogenic (8). Last evaluated 2025-07-14.

Conditions:
Hereditary cancer-predisposing syndrome. Also called: Tumor predisposition; Neoplastic Syndromes, Hereditary; Hereditary Cancer Syndrome; Hereditary neoplastic syndrome. Identifiers: Orphanet 140162, MedGen C0027672, MeSH D009386, MONDO:0015356.
Birt-Hogg-Dube syndrome 1 (BHD1). Also called: FIBROFOLLICULOMAS WITH TRICHODISCOMAS AND ACROCHORDONS. Identifiers: Orphanet 122, MedGen CN375946, MONDO:0800445, OMIM 135150.
Birt-Hogg-Dube syndrome. Also called: Birt Hogg Dubé syndrome. Identifiers: Orphanet 122, MedGen C0346010, MONDO:0800444.

Submissions (8):

Mayo Clinic Laboratories, Mayo Clinic
Classification: Pathogenic. Last evaluated: 2025-07-14. Review status: criteria provided, single submitter. Criteria: ACMG Guidelines, 2015. Collection method: clinical testing. Allele origin: germline. Observed: 3 variant alleles.
Comment: PP4, PM2_supporting, PS4_moderate, PVS1

Labcorp Genetics (formerly Invitae), Labcorp
Classification: Pathogenic for Birt-Hogg-Dube syndrome. Last evaluated: 2025-07-08. Review status: criteria provided, single submitter. Criteria: Invitae Variant Classification Sherloc (09022015). Collection method: clinical testing. Allele origin: germline.
Comment: This sequence change creates a premature translational stop signal (p.Leu460Glnfs*25) in the FLCN gene. It is expected to result in an absent or disrupted protein product. Loss-of-function variants in FLCN are known to be pathogenic (PMID: 15852235). This variant is not present in population databases (gnomAD no frequency). This premature translational stop signal has been observed in individuals with Birt-Hogg-Dubé syndrome (PMID: 15852235, 18234728, 20618353, 22441547, 26943385, 27220747, 28009417). It has also been observed to segregate with disease in related individuals. This variant is also known as 1834delTC or 1834-5delTC. ClinVar contains an entry for this variant (Variation ID: 418213). For these reasons, this variant has been classified as Pathogenic.

Revvity Omics, Revvity
Classification: Pathogenic. Last evaluated: 2024-10-23. Review status: criteria provided, single submitter. Criteria: ACMG Guidelines, 2015. Collection method: clinical testing. Allele origin: germline.

Ambry Genetics
Classification: Pathogenic for Hereditary cancer-predisposing syndrome. Last evaluated: 2024-09-10. Review status: criteria provided, single submitter. Criteria: Ambry Variant Classification Scheme 2023. Collection method: clinical testing. Allele origin: germline.
Comment: The c.1379_1380delTC pathogenic mutation, located in coding exon 9 of the FLCN gene, results from a deletion of two nucleotides at nucleotide positions 1379 to 1380, causing a translational frameshift with a predicted alternate stop codon (p.L460Qfs*25). This mutation has been reported in multiple individuals with clinical features of Birt-Hogg-Dub&eacute; syndrome (Schmidt LS et al. Am. J. Hum. Genet. 2005 Jun; 76(6):1023-33; Toro JR et al. J. Med. Genet. 2008 Jun; 45(6):321-31; Maff&eacute; A et al. Clin. Genet. 2011 Apr; 79(4):345-54; Furuya M et al. Am J Surg Pathol, 2012 Apr;36:589-600; Miura K et al. Surg Case Rep. 2015 Dec;1(1):17; Castellucci R et al. Urologia, 2017 Apr;84:116-120; Sager RA et al. Oncotarget, 2018 Apr;9:22220-22229). Of note, this alteration is also designated as c.1834delTC and c.1834-5delTC in published literature. This variant is considered to be rare based on population cohorts in the Genome Aggregation Database (gnomAD). In addition to the clinical data presented in the literature, this alteration is expected to result in loss of function by premature protein truncation or nonsense-mediated mRNA decay. As such, this alteration is interpreted as a disease-causing mutation.

Molecular Pathology, Peter Maccallum Cancer Centre
Classification: Pathogenic for Birt-Hogg-Dube syndrome 1. Last evaluated: 2024-05-07. Review status: criteria provided, single submitter. Criteria: ACMG Guidelines, 2015. Collection method: clinical testing. Allele origin: germline. Inheritance: Autosomal dominant inheritance.

GeneDx
Classification: Pathogenic. Last evaluated: 2024-03-12. Review status: criteria provided, single submitter. Criteria: GeneDx Variant Classification Process June 2021. Collection method: clinical testing. Allele origin: germline. Affected: yes.
Comment: Frameshift variant predicted to result in protein truncation or nonsense mediated decay in a gene for which loss of function is a known mechanism of disease; Not observed at significant frequency in large population cohorts (gnomAD); Also known as c.1834delTC and c.1834-5delTC; This variant is associated with the following publications: (PMID: 27220747, 26943385, 15852235, 18234728, 28009417, 36915884, 29774133)

Baylor Genetics
Classification: Pathogenic for Birt-Hogg-Dube syndrome 1. Last evaluated: 2023-03-02. Review status: criteria provided, single submitter. Criteria: ACMG Guidelines, 2015. Collection method: clinical testing. Allele origin: unknown.

Myriad Genetics, Inc.
Classification: Pathogenic for Birt-Hogg-Dube syndrome 1. Last evaluated: 2023-02-23. Review status: criteria provided, single submitter. Criteria: Myriad Autosomal Dominant, Autosomal Recessive and X-Linked Classification Criteria (2023). Collection method: clinical testing. Allele origin: unknown.
Comment: This variant is considered pathogenic. This variant creates a frameshift predicted to result in premature protein truncation.

Literature cited by the submitters: PubMed 15852235 (cited by 3 submitters); PubMed 20618353 (cited by 3 submitters); PubMed 22441547 (cited by 3 submitters); PubMed 26943385 (cited by 3 submitters); PubMed 27220747 (cited by 3 submitters); PubMed 28009417 (cited by 3 submitters); PubMed 18234728 (cited by Labcorp Genetics (formerly Invitae), Labcorp and Ambry Genetics); PubMed 29774133 (cited by Ambry Genetics).